The following is an entry in ClinVar:

NM_000090.4(COL3A1):c.727G>C (p.Gly243Arg)

Gene: COL3A1 (collagen type III alpha 1 chain; plus strand). Cytogenetic location: 2q32.2.
Variant type: single nucleotide variant.
Coding change: c.727G>C on transcript NM_000090.4 (MANE Select); coding-DNA position 727, G replaced by C.
Protein change: p.Gly243Arg; replaces glycine 243 with arginine.
Molecular consequence: missense variant.
Genome position (GRCh38, 1-based): chr2:188,990,132, G>C. VCF-style: chr2-188990132-G-C. GRCh37 (hg19) VCF-style: chr2-189854858-G-C.
Other names: short protein forms G243R.
Identifiers: ClinVar variation 2129799 (VCV002129799.4), dbSNP rs2469118099, ClinGen allele CA349849034.

ClinVar aggregate classification (germline): Likely pathogenic (1 of 4 stars; one submission).

Conditions:
Ehlers-Danlos syndrome, type 4 (EDSVASC). Also called: Ehlers-Danlos syndrome vascular type; Ehlers Danlos syndrome, ecchymotic type; Ehlers Danlos syndrome, arterial type; Ehlers Danlos syndrome, Sack-Barabas type; Ehlers-Danlos Syndrome Type IV. Identifiers: Orphanet 286, MedGen C0268338, MONDO:0017314, OMIM 130050.

Submission:

Labcorp Genetics (formerly Invitae), Labcorp
Classification: Likely pathogenic for Ehlers-Danlos syndrome, type 4. Last evaluated: 2022-04-23. Review status: criteria provided, single submitter. Criteria: Invitae Variant Classification Sherloc (09022015). Collection method: clinical testing. Allele origin: germline.
Comment: Advanced modeling of protein sequence and biophysical properties (such as structural, functional, and spatial information, amino acid conservation, physicochemical variation, residue mobility, and thermodynamic stability) performed at Invitae indicates that this missense variant is expected to disrupt COL3A1 protein function. This variant has not been reported in the literature in individuals affected with COL3A1-related conditions. This variant is not present in population databases (gnomAD no frequency). This sequence change replaces glycine, which is neutral and non-polar, with arginine, which is basic and polar, at codon 243 of the COL3A1 protein (p.Gly243Arg). This variant disrupts the triple helix domain of COL3A1. Glycine residues within the Gly-Xaa-Yaa repeats of the triple helix domain are required for the structure and stability of fibrillar collagens (PMID: 7695699, 8218237, 19344236). In COL3A1, variants that affect these glycine residues are significantly enriched in individuals with disease (PMID: 24922459, 25758994) compared to the general population (ExAC). In summary, the currently available evidence indicates that the variant is pathogenic, but additional data are needed to prove that conclusively. Therefore, this variant has been classified as Likely Pathogenic.

Literature cited by the submitters: PubMed 7695699; PubMed 8218237; PubMed 19344236; PubMed 24922459; PubMed 25758994.